The following is an entry in ClinVar:

NM_000051.4(ATM):c.2913A>T (p.Lys971Asn)

Gene: ATM (ATM serine/threonine kinase; plus strand). Cytogenetic location: 11q22.3.
Variant type: single nucleotide variant.
Coding change: c.2913A>T on transcript NM_000051.4 (MANE Select); coding-DNA position 2913, A replaced by T.
Protein change: p.Lys971Asn; replaces lysine 971 with asparagine.
Molecular consequence: missense variant.
Genome position (GRCh38, 1-based): chr11:108,271,138, A>T. VCF-style: chr11-108271138-A-T. GRCh37 (hg19) VCF-style: chr11-108141865-A-T.
Other names: c.2913A>T, p.Lys971Asn (NM_001351834.2); short protein forms K971N.
Identifiers: ClinVar variation 1797603 (VCV001797603.2), dbSNP rs1057522291, ClinGen allele CA382546984.

ClinVar aggregate classification (germline): Uncertain significance (1 of 4 stars; one submission).

Conditions:
Hereditary cancer-predisposing syndrome. Also called: Neoplastic Syndromes, Hereditary; Tumor predisposition; Hereditary Cancer Syndrome; Hereditary neoplastic syndrome. Identifiers: Orphanet 140162, MedGen C0027672, MeSH D009386, MONDO:0015356.

Submission:

Ambry Genetics
Classification: Uncertain significance for Hereditary cancer-predisposing syndrome. Last evaluated: 2021-05-14. Review status: criteria provided, single submitter. Criteria: Ambry Variant Classification Scheme 2023. Collection method: clinical testing. Allele origin: germline.
Comment: The p.K971N variant (also known as c.2913A>T), located in coding exon 18 of the ATM gene, results from an A to T substitution at nucleotide position 2913. The lysine at codon 971 is replaced by asparagine, an amino acid with similar properties. This amino acid position is not well conserved in available vertebrate species. In addition, this alteration is predicted to be tolerated by in silico analysis. Since supporting evidence is limited at this time, the clinical significance of this alteration remains unclear.